The following is an entry in ClinVar:

NM_000217.3(KCNA1):c.70T>C (p.Tyr24His)

Gene: KCNA1 (potassium voltage-gated channel subfamily A member 1; plus strand). Cytogenetic location: 12p13.32.
Variant type: single nucleotide variant.
Coding change: c.70T>C on transcript NM_000217.3 (MANE Select); coding-DNA position 70, T replaced by C.
Protein change: p.Tyr24His; replaces tyrosine 24 with histidine.
Molecular consequence: missense variant.
Genome position (GRCh38, 1-based): chr12:4,911,448, T>C. VCF-style: chr12-4911448-T-C. GRCh37 (hg19) VCF-style: chr12-5020614-T-C.
Other names: short protein forms Y24H.
Identifiers: ClinVar variation 950047 (VCV000950047.10), dbSNP rs1224258529, ClinGen allele CA383453730.

ClinVar aggregate classification (germline): Uncertain significance. Review status: criteria provided, multiple submitters, no conflicts (2 of 4 stars). 2 submissions from 2 submitters: Uncertain significance (2). Last evaluated 2024-06-11.

Conditions:
Inborn genetic diseases. Identifiers: MedGen C0950123, MeSH D030342.
Episodic ataxia type 1 (EA1). Also called: MYOKYMIA WITH PERIODIC ATAXIA; Episodic ataxia/myokymia syndrome; PAROXYSMAL ATAXIA WITH NEUROMYOTONIA, HEREDITARY; ATAXIA, EPISODIC, WITH MYOKYMIA. Identifiers: Orphanet 37612, Orphanet 972, MedGen C1719788, MONDO:0008047, OMIM 160120.

Allele frequency attached by ClinVar (database versions not stated): gnomAD exomes below 0.00001; TOPMed below 0.00001.
gnomAD v4.1: 7 of 1,613,736 alleles (0.00043%); highest among the groups gnomAD compares: Middle Eastern, 0.049%; no homozygotes.

Submissions (2):

Labcorp Genetics (formerly Invitae), Labcorp
Classification: Uncertain significance for Episodic ataxia type 1. Last evaluated: 2024-06-11. Review status: criteria provided, single submitter. Criteria: Invitae Variant Classification Sherloc (09022015). Collection method: clinical testing. Allele origin: germline.
Comment: This sequence change replaces tyrosine, which is neutral and polar, with histidine, which is basic and polar, at codon 24 of the KCNA1 protein (p.Tyr24His). This variant is not present in population databases (gnomAD no frequency). This variant has not been reported in the literature in individuals affected with KCNA1-related conditions. ClinVar contains an entry for this variant (Variation ID: 950047). Advanced modeling of protein sequence and biophysical properties (such as structural, functional, and spatial information, amino acid conservation, physicochemical variation, residue mobility, and thermodynamic stability) performed at Invitae indicates that this missense variant is not expected to disrupt KCNA1 protein function with a negative predictive value of 95%. In summary, the available evidence is currently insufficient to determine the role of this variant in disease. Therefore, it has been classified as a Variant of Uncertain Significance.

Ambry Genetics
Classification: Uncertain significance for Inborn genetic diseases. Last evaluated: 2024-02-28. Review status: criteria provided, single submitter. Criteria: Ambry Variant Classification Scheme 2023. Collection method: clinical testing. Allele origin: germline.